The following is an entry in ClinVar:

ClinVar aggregate classification (germline): Pathogenic (1 of 4 stars; one submission).

Conditions:
Hereditary breast ovarian cancer syndrome. Also called: Hereditary breast and ovarian cancer; Hereditary breast and ovarian cancer syndrome; Hereditary breast and/or ovarian cancer syndrome; Hereditary breast and ovarian cancer syndrome (HBOC); Breast and ovarian cancer; BRCA1- and BRCA2-Associated Hereditary Breast and Ovarian Cancer. Identifiers: Orphanet 145, MedGen C0677776, MeSH D061325, MONDO:0003582. Disease mechanism: loss of function.

Submission:

Women's Health and Genetics/Laboratory Corporation of America, LabCorp
Classification: Pathogenic for Hereditary breast ovarian cancer syndrome. Last evaluated: 2025-09-02. Review status: criteria provided, single submitter. Criteria: LabCorp Variant Classification Summary - May 2015. Collection method: clinical testing. Allele origin: germline.
Comment: Variant summary: The variant involves the deletion of exons 8-12 in the CHEK2 gene. This Copy Number Variant (CNV) is expected to alter the reading frame and predicted to result in a truncation or absence of the encoded protein due to nonsense mediated decay (NMD). A presumed nomenclature of c.(846+1_847-1)_(1375+1_1376-1)del has been designated for the purposes of this classification. The variant was absent in 21694 control chromosomes (gnomAD). c.(846+1_847-1)_(1375+1_1376-1)del has been observed in an individual(s) undergoing testing for hereditary cancer (Sutcliffe_2020). The following publication has been ascertained in the context of this evaluation (PMID: 32805687). ClinVar contains an entry for this variant (Variation ID: 3247480). Based on the evidence outlined above, the variant was classified as pathogenic.

Literature cited by the submitters: PubMed 32805687.

NC_000022.10:g.(29090106_29091114)_(29099555_29105993)del

Gene: CHEK2 (checkpoint kinase 2; minus strand). Cytogenetic location: 22q12.1.
Variant type: Deletion.
Identifiers: ClinVar variation 4535904 (VCV004535904.1).